The following is an entry in ClinVar:

ClinVar aggregate classification (germline): Uncertain significance (1 of 4 stars; one submission).

Conditions:
Charcot-Marie-Tooth disease type 2. Also called: Charcot-Marie-Tooth type 2. Identifiers: Orphanet 64746, MedGen C0270914, MONDO:0018993.

gnomAD v4.1: 1 of 1,614,072 alleles (0.000062%); no homozygotes.

Submission:

Labcorp Genetics (formerly Invitae), Labcorp
Classification: Uncertain significance for Charcot-Marie-Tooth disease type 2. Last evaluated: 2024-02-17. Review status: criteria provided, single submitter. Criteria: Invitae Variant Classification Sherloc (09022015). Collection method: clinical testing. Allele origin: germline.
Comment: This sequence change replaces glutamine, which is neutral and polar, with arginine, which is basic and polar, at codon 792 of the AARS protein (p.Gln792Arg). This variant is not present in population databases (gnomAD no frequency). This variant has not been reported in the literature in individuals affected with AARS-related conditions. ClinVar contains an entry for this variant (Variation ID: 1682135). Advanced modeling of protein sequence and biophysical properties (such as structural, functional, and spatial information, amino acid conservation, physicochemical variation, residue mobility, and thermodynamic stability) performed at Invitae indicates that this missense variant is not expected to disrupt AARS protein function with a negative predictive value of 95%. In summary, the available evidence is currently insufficient to determine the role of this variant in disease. Therefore, it has been classified as a Variant of Uncertain Significance.

NM_001605.3(AARS1):c.2375A>G (p.Gln792Arg)

Gene: AARS1 (alanyl-tRNA synthetase 1; minus strand). Cytogenetic location: 16q22.1.
Variant type: single nucleotide variant.
Coding change: c.2375A>G on transcript NM_001605.3 (MANE Select); coding-DNA position 2375, A replaced by G.
Protein change: p.Gln792Arg; replaces glutamine 792 with arginine.
Molecular consequence: missense variant.
Genome position (GRCh38, 1-based): chr16:70,254,646, T>C on the plus strand (A>G on the coding strand, the complement: AARS1 is on the minus strand). VCF-style: chr16-70254646-T-C. GRCh37 (hg19) VCF-style: chr16-70288549-T-C.
Other names: short protein forms Q792R.
Identifiers: ClinVar variation 1682135 (VCV001682135.6), dbSNP rs1959932678, ClinGen allele CA396555665.